The following is an entry in ClinVar:

NM_001378418.1(TCF20):c.2950A>G (p.Arg984Gly)

Gene: TCF20 (transcription factor 20; minus strand). Cytogenetic location: 22q13.2.
Variant type: single nucleotide variant.
Coding change: c.2950A>G on transcript NM_001378418.1 (MANE Select); coding-DNA position 2950, A replaced by G.
Protein change: p.Arg984Gly; replaces arginine 984 with glycine.
Molecular consequence: missense variant.
Genome position (GRCh38, 1-based): chr22:42,212,356, T>C on the plus strand (A>G on the coding strand, the complement: TCF20 is on the minus strand). VCF-style: chr22-42212356-T-C. GRCh37 (hg19) VCF-style: chr22-42608362-T-C.
Other names: c.2950A>G, p.Arg984Gly (NM_005650.4, NM_181492.3); short protein forms R984G.
Identifiers: ClinVar variation 5017953 (VCV005017953.1).

ClinVar aggregate classification (germline): Uncertain significance (1 of 4 stars; one submission).

Submission:

GeneDx
Classification: Uncertain significance. Last evaluated: 2026-03-30. Review status: criteria provided, single submitter. Criteria: GeneDx Variant Classification Process June 2021. Collection method: clinical testing. Allele origin: germline.
Comment: Not observed at significant frequency in large population cohorts (gnomAD); In silico analysis suggests that this missense variant does not alter protein structure/function; Has not been previously published as pathogenic or benign to our knowledge